The following is an entry in ClinVar:

ClinVar aggregate classification (germline): Pathogenic (1 of 4 stars; one submission).

Conditions:
Polycystic kidney disease, adult type (PKD1). Also called: POLYCYSTIC KIDNEY DISEASE 1 WITH OR WITHOUT POLYCYSTIC LIVER DISEASE; POLYCYSTIC KIDNEY DISEASE, ADULT, TYPE I; Polycystic Kidney Disease 1, Autosomal Dominant; Polycystic kidney disease 1; Polycystic kidney disease 1, severe; Polycystic Kidney, Autosomal Dominant. Identifiers: MedGen C3149841, MONDO:0008263, OMIM 173900.

Submission:

Women's Health and Genetics/Laboratory Corporation of America, LabCorp
Classification: Pathogenic for Polycystic kidney disease, adult type. Last evaluated: 2026-06-01. Review status: criteria provided, single submitter. Criteria: LabCorp Variant Classification Summary - May 2015. Collection method: clinical testing. Allele origin: germline.
Comment: Variant summary: PKD1 c.11939dupT (p.Ala3981GlyfsX176) results in a premature termination codon, predicted to cause a truncation of the encoded protein or absence of the protein due to nonsense mediated decay, which are commonly known mechanisms for disease. The variant was absent in 163810 control chromosomes. To our knowledge, no occurrence of c.11939dupT in individuals affected with PKD1-related conditions and no experimental evidence demonstrating its impact on protein function have been reported. No submitters have cited clinical-significance assessments for this variant to ClinVar. Based on the evidence outlined above, the variant was classified as pathogenic.

NM_001009944.3(PKD1):c.11939dup (p.Ala3981fs)

Gene: PKD1 (polycystin 1, transient receptor potential channel interacting; minus strand). Cytogenetic location: 16p13.3.
Variant type: Duplication.
Coding change: c.11939dup on transcript NM_001009944.3 (MANE Select); coding-DNA position 11939, one base duplicated (T; older notation c.11939dupT).
Protein change: p.Ala3981fs; shifts the reading frame from alanine 3981.
Molecular consequence: frameshift variant.
Genome position (GRCh38, 1-based): chr16:2,090,948, A duplicated on the plus strand (T on the coding strand, the reverse complement: PKD1 is on the minus strand). VCF-style (leftmost placement, unchanged base first): chr16-2090947-C-CA. GRCh37 (hg19) VCF-style: chr16-2140948-C-CA.
Other names: c.11936dup, p.Ala3980fs (NM_000296.4); c.11939dupT (NM_001009944.3); short protein forms A3980fs, A3981fs.
Identifiers: ClinVar variation 4887596 (VCV004887596.1).
Genomic context (GRCh38, chr16:2,090,947, plus strand): 5'-GACCAAAAGCAGGAAGAGCAGCGAGGCCGCCAGGCCACGGGCTGCGGAGCTCAGCTGCGC[C>CA]ACCTGGTCGAAGCTAGTGAAGCGGCGCGGGCGGCCGCGCACGAAACGGGTCCACTGGCGG-3'